The following is an entry in ClinVar:

ClinVar aggregate classification (germline): Uncertain significance (1 of 4 stars; one submission).

Conditions:
Parathyroid carcinoma (PRTC). Also called: Parathyroid gland carcinoma; CDC73-Related Parathyroid Carcinoma. Identifiers: Orphanet 143, MedGen C0687150, MONDO:0012004, OMIM 608266, HP:0006780.

Submission:

Labcorp Genetics (formerly Invitae), Labcorp
Classification: Uncertain significance for Parathyroid carcinoma. Last evaluated: 2023-02-22. Review status: criteria provided, single submitter. Criteria: Invitae Variant Classification Sherloc (09022015). Collection method: clinical testing. Allele origin: unknown.
Comment: This variant results in a copy number gain of the genomic region encompassing exon(s) 1-3 of the CDC73 gene. This region includes the initiator codon of the gene. This copy number gain extends beyond the assayed region for this gene and therefore may encompass additional genes. As the precise location of this event is unknown, it may be in tandem or it may be located elsewhere in the genome. This variant has not been reported in the literature in individuals affected with CDC73-related conditions. Experimental studies and prediction algorithms are not available or were not evaluated, and the functional significance of this variant is currently unknown. In summary, the available evidence is currently insufficient to determine the role of this variant in disease. Therefore, it has been classified as a Variant of Uncertain Significance.

NC_000001.10:g.(?_193091331)_(193099383_?)dup

Gene: CDC73 (cell division cycle 73; plus strand). Cytogenetic location: 1q31.2.
Variant type: Duplication.
Identifiers: ClinVar variation 3247701 (VCV003247701.1).